The following is an entry in ClinVar:

ClinVar aggregate classification (germline): Pathogenic (1 of 4 stars; one submission).

Conditions:
Charcot-Marie-Tooth disease axonal type 2V. Also called: CHARCOT-MARIE-TOOTH NEUROPATHY, TYPE 2V; CHARCOT-MARIE-TOOTH DISEASE, AXONAL, AUTOSOMAL DOMINANT, TYPE 2V. Identifiers: Orphanet 447964, MedGen C5569050, MONDO:0014665, OMIM 616491.
Mucopolysaccharidosis, MPS-III-B (MPS3B). Also called: N-ACETYL-ALPHA-D-GLUCOSAMINIDASE DEFICIENCY; NAGLU DEFICIENCY; SANFILIPPO SYNDROME B; MPS III B; Mucopolysaccharidosis type IIIB (Sanfilippo B); MUCOPOLYSACCHARIDOSIS, TYPE IIIB. Identifiers: Orphanet 79270, MedGen C0086648, MONDO:0009656, OMIM 252920.

Submission:

Labcorp Genetics (formerly Invitae), Labcorp
Classification: Pathogenic for Charcot-Marie-Tooth disease axonal type 2V; Mucopolysaccharidosis, MPS-III-B. Last evaluated: 2024-05-12. Review status: criteria provided, single submitter. Criteria: Invitae Variant Classification Sherloc (09022015). Collection method: clinical testing. Allele origin: germline.
Comment: This sequence change replaces tryptophan, which is neutral and slightly polar, with cysteine, which is neutral and slightly polar, at codon 361 of the NAGLU protein (p.Trp361Cys). This variant is not present in population databases (gnomAD no frequency). This missense change has been observed in individual(s) with clinical features of NAGLU-associated conditions (Invitae). In at least one individual the data is consistent with being in trans (on the opposite chromosome) from a pathogenic variant. Advanced modeling of protein sequence and biophysical properties (such as structural, functional, and spatial information, amino acid conservation, physicochemical variation, residue mobility, and thermodynamic stability) performed at Invitae indicates that this missense variant is expected to disrupt NAGLU protein function with a positive predictive value of 95%. This variant disrupts the p.Trp361 amino acid residue in NAGLU. Other variant(s) that disrupt this residue have been determined to be pathogenic (PMID: 23380547, 29979746, 30070758). This suggests that this residue is clinically significant, and that variants that disrupt this residue are likely to be disease-causing. For these reasons, this variant has been classified as Pathogenic.

Literature cited by the submitters: PubMed 23380547; PubMed 29979746; PubMed 30070758.

NM_000263.4(NAGLU):c.1083G>T (p.Trp361Cys)

Gene: NAGLU (N-acetyl-alpha-glucosaminidase; plus strand). Cytogenetic location: 17q21.2.
Variant type: single nucleotide variant.
Coding change: c.1083G>T on transcript NM_000263.4 (MANE Select); coding-DNA position 1083, G replaced by T.
Protein change: p.Trp361Cys; replaces tryptophan 361 with cysteine.
Molecular consequence: missense variant.
Genome position (GRCh38, 1-based): chr17:42,543,089, G>T. VCF-style: chr17-42543089-G-T. GRCh37 (hg19) VCF-style: chr17-40695107-G-T.
Other names: short protein forms W361C.
Identifiers: ClinVar variation 3756323 (VCV003756323.2).